The following is an entry in ClinVar:

NM_000271.5(NPC1):c.3755-16TC[7]

Gene: NPC1 (NPC intracellular cholesterol transporter 1; minus strand). Cytogenetic location: 18q11.2.
Variant type: Microsatellite.
Coding change: c.3755-16TC[7] on transcript NM_000271.5 (MANE Select); seven copies in a row of the 2-base unit TC starting at c.3755-16; the reference has six copies in a row; one copy, 2 bases duplicated.
Molecular consequence: intron variant.
Genome position (GRCh38, 1-based): chr18:23,532,289-23,532,290, GA duplicated on the plus strand (TC on the coding strand, the reverse complement: NPC1 is on the minus strand); duplicating any 2 consecutive bases within chr18:23,532,289-23,532,300 gives the same sequence; the position shown is the placement nearest the transcript's 3' end. VCF-style (leftmost placement, unchanged base first): chr18-23532288-T-TGA. GRCh37 (hg19) VCF-style: chr18-21112252-T-TGA.
Other names: c.3755-6_3755-5dupTC (NM_000271.4).
Identifiers: ClinVar variation 702825 (VCV000702825.35), dbSNP rs760529810, ClinGen allele CA8912647.

ClinVar aggregate classification (germline): Conflicting classifications of pathogenicity. Review status: criteria provided, conflicting classifications (1 of 4 stars). 5 submissions from 5 submitters: Uncertain significance (1); Likely benign (3). 1 of the submissions does not count toward it. Last evaluated 2026-01-13.

Conditions:
NPC1-related disorder. Also called: NPC1-related condition.
Niemann-Pick disease, type C1. Also called: NIEMANN-PICK DISEASE, VARIANT TYPE C1; NEUROVISCERAL STORAGE DISEASE WITH VERTICAL SUPRANUCLEAR OPHTHALMOPLEGIA; NIEMANN-PICK DISEASE WITH CHOLESTEROL ESTERIFICATION BLOCK; NIEMANN-PICK DISEASE WITHOUT SPHINGOMYELINASE DEFICIENCY; NIEMANN-PICK DISEASE, CHRONIC NEURONOPATHIC FORM. Identifiers: Orphanet 646, MedGen C3179455, MONDO:0009757, OMIM 257220.

Submissions (5):

Labcorp Genetics (formerly Invitae), Labcorp
Classification: Likely benign for Niemann-Pick disease, type C1. Last evaluated: 2026-01-13. Review status: criteria provided, single submitter. Criteria: Invitae Variant Classification Sherloc (09022015). Collection method: clinical testing. Allele origin: germline.

Blueprint Genetics
Classification: Likely benign. Last evaluated: 2024-09-11. Review status: criteria provided, single submitter. Criteria: ACMG Guidelines, 2015. Collection method: clinical testing. Allele origin: germline.

CeGaT Center for Human Genetics Tuebingen
Classification: Uncertain significance. Last evaluated: 2023-12-01. Review status: criteria provided, single submitter. Criteria: CeGaT Center For Human Genetics Tuebingen Variant Classification Criteria Version 2. Collection method: clinical testing. Allele origin: germline. Affected: yes. Observed: 1 variant allele.
Comment: NPC1: PM2, BP4

GeneDx
Classification: Likely benign. Last evaluated: 2019-08-12. Review status: criteria provided, single submitter. Criteria: GeneDx Variant Classification Process June 2021. Collection method: clinical testing. Allele origin: germline. Affected: yes.

PreventionGenetics, part of Exact Sciences
Classification: Likely benign for NPC1-related condition. Last evaluated: 2024-06-13. Review status: no assertion criteria provided. Collection method: clinical testing. Allele origin: germline. Not counted in ClinVar's aggregate classification.
Comment: This variant is classified as likely benign based on ACMG/AMP sequence variant interpretation guidelines (Richards et al. 2015 PMID: 25741868, with internal and published modifications).